The following is an entry in ClinVar:

NM_004667.6(HERC2):c.1140A>G (p.Pro380=)

Gene: HERC2 (HECT and RLD domain containing E3 ubiquitin protein ligase 2; minus strand). Cytogenetic location: 15q13.1.
Variant type: single nucleotide variant.
Coding change: c.1140A>G on transcript NM_004667.6 (MANE Select); coding-DNA position 1140, A replaced by G.
Protein change: p.Pro380=; no amino-acid change (proline 380 retained).
Molecular consequence: synonymous variant.
Genome position (GRCh38, 1-based): chr15:28,270,812, T>C on the plus strand (A>G on the coding strand, the complement: HERC2 is on the minus strand). VCF-style: chr15-28270812-T-C. GRCh37 (hg19) VCF-style: chr15-28515958-T-C.
Identifiers: ClinVar variation 3025847 (VCV003025847.22), dbSNP rs1226310945, ClinGen allele CA488978201.

ClinVar aggregate classification (germline): Likely benign (1 of 4 stars; one submission).

Allele frequency attached by ClinVar (database versions not stated): gnomAD 0.00001.
gnomAD v4.1: 2 of 1,613,562 alleles (0.00012%); highest among the groups gnomAD compares: African/African-American, 0.0013%; no homozygotes.

Submission:

CeGaT Center for Human Genetics Tuebingen
Classification: Likely benign. Last evaluated: 2023-12-01. Review status: criteria provided, single submitter. Criteria: CeGaT Center For Human Genetics Tuebingen Variant Classification Criteria Version 2. Collection method: clinical testing. Allele origin: germline. Affected: yes. Observed: 1 variant allele.
Comment: HERC2: BP4, BP7